The following is an entry in ClinVar:

ClinVar aggregate classification (germline): Benign/Likely benign. Review status: criteria provided, multiple submitters, no conflicts (2 of 4 stars). 10 submissions from 10 submitters: Benign (5); Likely benign (2). 3 of the submissions do not count toward it. Last evaluated 2026-09-01.

Conditions:
Metachromatic leukodystrophy (MLD). Also called: ARSA DEFICIENCY; SULFATIDE LIPIDOSIS; CEREBROSIDE SULFATASE DEFICIENCY; Cerebral sclerosis diffuse metachromatic form; METACHROMATIC LEUKOENCEPHALOPATHY; Arylsulfatase A Deficiency. Identifiers: Orphanet 512, MedGen C0023522, MONDO:0018868, OMIM 250100.

Allele frequency attached by ClinVar (database versions not stated): 1000 Genomes Project 30x 0.00219; 1000 Genomes Project 0.00240; TOPMed 0.00672; ESP Exome Variant Server 0.00723; gnomAD exomes 0.00905; ExAC 0.00921; gnomAD 0.00957 and 0.01000.

Submissions (10):

CeGaT Center for Human Genetics Tuebingen
Classification: Benign. Last evaluated: 2026-09-01. Review status: criteria provided, single submitter. Criteria: CeGaT Center For Human Genetics Tuebingen Variant Classification Criteria Version 2. Collection method: clinical testing. Allele origin: germline. Affected: yes. Observed: 68 variant alleles.
Comment: ARSA: BP4, BP7, BS1, BS2

Labcorp Genetics (formerly Invitae), Labcorp
Classification: Benign for Metachromatic leukodystrophy. Last evaluated: 2026-02-03. Review status: criteria provided, single submitter. Criteria: Invitae Variant Classification Sherloc (09022015). Collection method: clinical testing. Allele origin: germline.

Blueprint Genetics
Classification: Likely benign. Last evaluated: 2024-11-28. Review status: criteria provided, single submitter. Criteria: ACMG Guidelines, 2015. Collection method: clinical testing. Allele origin: germline.

Mayo Clinic Laboratories, Mayo Clinic
Classification: Benign. Last evaluated: 2023-01-18. Review status: criteria provided, single submitter. Criteria: ACMG Guidelines, 2015. Collection method: clinical testing. Allele origin: germline. Observed: 64 variant alleles.

Illumina Laboratory Services, Illumina
Classification: Likely benign for Metachromatic leukodystrophy. Last evaluated: 2018-01-13. Review status: criteria provided, single submitter. Criteria: ICSL Variant Classification Criteria 13 December 2019. Collection method: clinical testing. Allele origin: germline.
Comment: This variant was observed in the ICSL laboratory as part of a predisposition screen in an ostensibly healthy population. It had not been previously curated by ICSL or reported in the Human Gene Mutation Database (HGMD: prior to June 1st, 2018), and was therefore a candidate for classification through an automated scoring system. Utilizing variant allele frequency, disease prevalence and penetrance estimates, and inheritance mode, an automated score was calculated to assess if this variant is too frequent to cause the disease. Based on the score and internal cut-off values, a variant classified as likely benign is not then subjected to further curation. The score for this variant resulted in a classification of likely benign for this disease.

GeneDx
Classification: Benign. Last evaluated: 2016-08-03. Review status: criteria provided, single submitter. Criteria: GeneDx Variant Classification (06012015). Collection method: clinical testing. Allele origin: germline. Affected: yes.
Comment: This variant is considered likely benign or benign based on one or more of the following criteria: it is a conservative change, it occurs at a poorly conserved position in the protein, it is predicted to be benign by multiple in silico algorithms, and/or has population frequency not consistent with disease.

PreventionGenetics, part of Exact Sciences
Classification: Benign. Review status: criteria provided, single submitter. Criteria: ACMG Guidelines, 2015. Collection method: clinical testing. Allele origin: germline.

Natera, Inc.
Classification: Benign for Metachromatic leukodystrophy. Last evaluated: 2020-09-16. Review status: no assertion criteria provided. Collection method: clinical testing. Allele origin: germline. Not counted in ClinVar's aggregate classification.

Clinical Genetics, Academic Medical Center
Classification: Benign. Review status: no assertion criteria provided. Collection method: clinical testing. Allele origin: germline. Affected: yes. Study: VKGL Data-share Consensus. Not counted in ClinVar's aggregate classification.

Genome Diagnostics Laboratory, University Medical Center Utrecht
Classification: Benign. Review status: no assertion criteria provided. Collection method: clinical testing. Allele origin: germline. Affected: yes. Study: VKGL Data-share Consensus. Not counted in ClinVar's aggregate classification.

NM_000487.6(ARSA):c.624T>C (p.His208=)

Gene: ARSA (arylsulfatase A; minus strand). Cytogenetic location: 22q13.33.
Variant type: single nucleotide variant.
Coding change: c.624T>C on transcript NM_000487.6 (MANE Select); coding-DNA position 624, T replaced by C.
Protein change: p.His208=; no amino-acid change (histidine 208 retained).
Molecular consequence: synonymous variant.
Genome position (GRCh38, 1-based): chr22:50,626,894, A>G on the plus strand (T>C on the coding strand, the complement: ARSA is on the minus strand). VCF-style: chr22-50626894-A-G. GRCh37 (hg19) VCF-style: chr22-51065322-A-G.
Other names: p.His208=; c.624T>C, p.His208= (NM_001085425.3, NM_001085426.3, NM_001085427.3); c.366T>C, p.His122= (NM_001085428.3, NM_001362782.2).
Identifiers: ClinVar variation 256246 (VCV000256246.53), dbSNP rs113990230, ClinGen allele CA10324963.